The following is an entry in ClinVar:

ClinVar aggregate classification (germline): Uncertain significance. Review status: criteria provided, multiple submitters, no conflicts (2 of 4 stars). 3 submissions from 3 submitters: Uncertain significance (3). Last evaluated 2025-09-26.

Conditions:
Inborn genetic diseases. Identifiers: MedGen C0950123, MeSH D030342.
Epidermolysis bullosa simplex 5C, with pyloric atresia (EBS5C). Also called: PLEC1-Related Epidermolysis Bullosa with Pyloric Atresia; Epidermolysis bullosa simplex with pyloric atresia; PLEC-Related Epidermolysis Bullosa with Pyloric Atresia. Identifiers: Orphanet 158684, MedGen C2677349, MONDO:0012807, OMIM 612138.
Autosomal recessive limb-girdle muscular dystrophy type 2Q (LGMDR17). Also called: MUSCULAR DYSTROPHY, LIMB-GIRDLE, AUTOSOMAL RECESSIVE 17. Identifiers: Orphanet 254361, MedGen C3150989, MONDO:0013390, OMIM 613723.
Epidermolysis bullosa simplex with nail dystrophy (EBS5D). Identifiers: MedGen C4225309, MONDO:0014661, OMIM 616487.
Epidermolysis bullosa simplex 5B, with muscular dystrophy (EBS5B). Also called: Epidermolysis bullosa simplex with muscular dystrophy; EPIDERMOLYSIS BULLOSA SIMPLEX AND LIMB-GIRDLE MUSCULAR DYSTROPHY. Identifiers: Orphanet 257, MedGen C2931072, MONDO:0009181, OMIM 226670.
Epidermolysis bullosa simplex, Ogna type (EBS5A). Also called: EPIDERMOLYSIS BULLOSA SIMPLEX 5A, OGNA TYPE; Pidermolysis bullosa simplex 5A, Ogna type. Identifiers: Orphanet 79401, MedGen C0432317, MONDO:0007555, OMIM 131950.

Allele frequency attached by ClinVar (database versions not stated): ExAC 0.00004; gnomAD exomes 0.00004; TOPMed 0.00006; ESP Exome Variant Server 0.00008; gnomAD 0.00008; 1000 Genomes Project 30x 0.00016; 1000 Genomes Project 0.00020.
gnomAD v4.1: 51 of 1,613,566 alleles (0.0032%); highest among the groups gnomAD compares: Admixed American, 0.017%; no homozygotes.

Submissions (3):

Ambry Genetics
Classification: Uncertain significance for Inborn genetic diseases. Last evaluated: 2025-09-26. Review status: criteria provided, single submitter. Criteria: Ambry Variant Classification Scheme 2023. Collection method: clinical testing. Allele origin: germline.

Labcorp Genetics (formerly Invitae), Labcorp
Classification: Uncertain significance for Autosomal recessive limb-girdle muscular dystrophy type 2Q; Epidermolysis bullosa simplex, Ogna type; Epidermolysis bullosa simplex with nail dystrophy; Epidermolysis bullosa simplex 5C, with pyloric atresia; Epidermolysis bullosa simplex 5B, with muscular dystrophy. Last evaluated: 2024-02-28. Review status: criteria provided, single submitter. Criteria: Invitae Variant Classification Sherloc (09022015). Collection method: clinical testing. Allele origin: germline.
Comment: This sequence change replaces arginine, which is basic and polar, with tryptophan, which is neutral and slightly polar, at codon 1369 of the PLEC protein (p.Arg1369Trp). This variant is present in population databases (rs369706837, gnomAD 0.01%). This variant has not been reported in the literature in individuals affected with PLEC-related conditions. ClinVar contains an entry for this variant (Variation ID: 843459). Advanced modeling of protein sequence and biophysical properties (such as structural, functional, and spatial information, amino acid conservation, physicochemical variation, residue mobility, and thermodynamic stability) performed at Invitae indicates that this missense variant is expected to disrupt PLEC protein function with a positive predictive value of 80%. In summary, the available evidence is currently insufficient to determine the role of this variant in disease. Therefore, it has been classified as a Variant of Uncertain Significance.

Revvity Omics, Revvity
Classification: Uncertain significance. Last evaluated: 2019-11-27. Review status: criteria provided, single submitter. Criteria: ACMG Guidelines, 2015. Collection method: clinical testing. Allele origin: germline.

NM_201384.3(PLEC):c.4024C>T (p.Arg1342Trp)

Gene: PLEC (plectin; minus strand). Cytogenetic location: 8q24.3.
Variant type: single nucleotide variant.
Coding change: c.4024C>T on transcript NM_201384.3 (MANE Select); coding-DNA position 4024, C replaced by T.
Protein change: p.Arg1342Trp; replaces arginine 1342 with tryptophan.
Molecular consequence: missense variant.
Genome position (GRCh38, 1-based): chr8:143,926,804, G>A on the plus strand (C>T on the coding strand, the complement: PLEC is on the minus strand). VCF-style: chr8-143926804-G-A. GRCh37 (hg19) VCF-style: chr8-145000972-G-A.
Other names: c.4105C>T, p.Arg1369Trp (NM_000445.5); c.3982C>T, p.Arg1328Trp (NM_201378.4); c.3958C>T, p.Arg1320Trp (NM_201379.3); c.4435C>T, p.Arg1479Trp (NM_201380.4); c.3928C>T, p.Arg1310Trp (NM_201381.3); c.4024C>T, p.Arg1342Trp (NM_201382.4); c.4036C>T, p.Arg1346Trp (NM_201383.3); c.4105C>T (NM_000445.3); short protein forms R1320W, R1346W, R1342W, R1479W, R1310W, R1328W, R1369W.
Identifiers: ClinVar variation 843459 (VCV000843459.10), dbSNP rs369706837, ClinGen allele CA4926806.